The following is an entry in ClinVar:

ClinVar aggregate classification (germline): Conflicting classifications of pathogenicity. Review status: criteria provided, conflicting classifications (1 of 4 stars). 2 submissions from 1 submitter: Pathogenic (1); Uncertain significance (1). Last evaluated 2023-10-05.

Conditions:
Proteosome-associated autoinflammatory syndrome. Also called: Proteasome-associated autoinflammatory syndrome. Identifiers: Orphanet 324977, MedGen C1850568, MONDO:0009726.
MHC class I deficiency. Identifiers: Orphanet 34592, MedGen C6024714, MONDO:0011476.

Submissions (2):

Labcorp Genetics (formerly Invitae), Labcorp
Classification: Pathogenic for MHC class I deficiency 1. Last evaluated: 2023-10-05. Review status: criteria provided, single submitter. Criteria: Invitae Variant Classification Sherloc (09022015). Collection method: clinical testing. Allele origin: unknown.
Comment: A gross deletion of the genomic region encompassing the full coding sequence of the TAP2 gene has been identified. Loss-of-function variants in TAP2 are known to be pathogenic (PMID: 7517574, 11529920, 12067308, 23662797). The boundaries of this event are unknown as they extend beyond the assayed region for this gene and therefore may encompass additional genes. This variant has not been reported in the literature in individuals affected with TAP2-related conditions. For these reasons, this variant has been classified as Pathogenic.

Labcorp Genetics (formerly Invitae), Labcorp
Classification: Uncertain significance for Proteosome-associated autoinflammatory syndrome. Last evaluated: 2023-03-10. Review status: criteria provided, single submitter. Criteria: Invitae Variant Classification Sherloc (09022015). Collection method: clinical testing. Allele origin: unknown.
Comment: In summary, the available evidence is currently insufficient to determine the role of this variant in disease. Therefore, it has been classified as a Variant of Uncertain Significance. This variant has not been reported in the literature in individuals affected with PSMB8-related conditions. This variant is a gross deletion of the genomic region encompassing exon(s) 6 of the PSMB8 gene, which includes the termination codon. This deletion extends beyond the assayed region for this gene and therefore may encompass additional genes. While this deletion is not anticipated to lead to nonsense mediated decay, it is expected to alter mRNA translation or result in a truncated protein product.

Literature cited by the submitters: PubMed 7517574; PubMed 11529920; PubMed 12067308; PubMed 23662797.

NC_000006.11:g.(?_32796632)_(32808844_?)del

Genes: PSMB8 (proteasome 20S subunit beta 8; minus strand), TAP2 (transporter 2, ATP binding cassette subfamily B member; minus strand). Cytogenetic location: 6p21.32.
Variant type: Deletion.
Identifiers: ClinVar variation 3245999 (VCV003245999.1).